The following is an entry in ClinVar:

ClinVar aggregate classification (germline): Pathogenic (1 of 4 stars; one submission).

Conditions:
Duchenne muscular dystrophy (DMD). Also called: Duchenne Muscular Dystrophy (DMD); MUSCULAR DYSTROPHY, PSEUDOHYPERTROPHIC PROGRESSIVE, DUCHENNE TYPE. Identifiers: Orphanet 98896, MedGen C0013264, MONDO:0010679, OMIM 310200.

Submission:

Labcorp Genetics (formerly Invitae), Labcorp
Classification: Pathogenic for Duchenne muscular dystrophy. Last evaluated: 2024-09-02. Review status: criteria provided, single submitter. Criteria: Invitae Variant Classification Sherloc (09022015). Collection method: clinical testing. Allele origin: germline.
Comment: This sequence change affects an acceptor splice site in intron 22 of the DMD gene. It is expected to disrupt RNA splicing. Variants that disrupt the donor or acceptor splice site typically lead to a loss of protein function (PMID: 16199547), and loss-of-function variants in DMD are known to be pathogenic (PMID: 16770791, 25007885). This variant is not present in population databases (gnomAD no frequency). Disruption of this splice site has been observed in individuals with DMD-related conditions (PMID: 19760747, 28318817). ClinVar contains an entry for this variant (Variation ID: 1444971). Algorithms developed to predict the effect of sequence changes on RNA splicing suggest that this variant may disrupt the consensus splice site. For these reasons, this variant has been classified as Pathogenic.

Literature cited by the submitters: PubMed 16199547; PubMed 16770791; PubMed 25007885; PubMed 19760747; PubMed 28318817.

NM_004006.3(DMD):c.2950-1G>T

Gene: DMD (dystrophin; minus strand). Cytogenetic location: Xp21.1.
Variant type: single nucleotide variant.
Coding change: c.2950-1G>T on transcript NM_004006.3 (MANE Select); the canonical splice acceptor site of the intron before coding-DNA position 2950, G replaced by T.
Molecular consequence: splice acceptor variant.
Genome position (GRCh38, 1-based): chrX:32,468,711, C>A on the plus strand (G>T on the coding strand, the complement: DMD is on the minus strand). VCF-style: chrX-32468711-C-A. GRCh37 (hg19) VCF-style: chrX-32486828-C-A.
Other names: c.2926-1G>T (NM_000109.4); c.2938-1G>T (NM_004009.3); c.2581-1G>T (NM_004010.3).
Identifiers: ClinVar variation 1444971 (VCV001444971.8), dbSNP rs2148460867, ClinGen allele CA412667198.